The following is an entry in ClinVar:

ClinVar aggregate classification (germline): Likely benign (1 of 4 stars; one submission).

Submission:

CeGaT Center for Human Genetics Tuebingen
Classification: Likely benign. Last evaluated: 2024-09-01. Review status: criteria provided, single submitter. Criteria: CeGaT Center For Human Genetics Tuebingen Variant Classification Criteria Version 2. Collection method: clinical testing. Allele origin: germline. Affected: yes. Observed: 1 variant allele.
Comment: NPAP1: BP4, BS1

NM_018958.3(NPAP1):c.1027C>G (p.Pro343Ala)

Gene: NPAP1 (nuclear pore associated protein 1; plus strand). Cytogenetic location: 15q11.2.
Variant type: single nucleotide variant.
Coding change: c.1027C>G on transcript NM_018958.3 (MANE Select); coding-DNA position 1027, C replaced by G.
Protein change: p.Pro343Ala; replaces proline 343 with alanine.
Molecular consequence: missense variant.
Genome position (GRCh38, 1-based): chr15:24,676,894, C>G. VCF-style: chr15-24676894-C-G. GRCh37 (hg19) VCF-style: chr15-24922041-C-G.
Other names: short protein forms P343A.
Identifiers: ClinVar variation 3388440 (VCV003388440.14).